The following is an entry in ClinVar:

NM_015474.4(SAMHD1):c.194T>G (p.Leu65Arg)

Gene: SAMHD1 (SAM and HD domain containing deoxynucleoside triphosphate triphosphohydrolase 1; minus strand). Cytogenetic location: 20q11.23.
Variant type: single nucleotide variant.
Coding change: c.194T>G on transcript NM_015474.4 (MANE Select); coding-DNA position 194, T replaced by G.
Protein change: p.Leu65Arg; replaces leucine 65 with arginine.
Molecular consequence: missense variant.
Genome position (GRCh38, 1-based): chr20:36,951,450, A>C on the plus strand (T>G on the coding strand, the complement: SAMHD1 is on the minus strand). VCF-style: chr20-36951450-A-C. GRCh37 (hg19) VCF-style: chr20-35579853-A-C.
Other names: c.194T>G, p.Leu65Arg (NM_001363729.2, NM_001363733.2); short protein forms L65R.
Identifiers: ClinVar variation 1463160 (VCV001463160.8), dbSNP rs2146160474, ClinGen allele CA408831847.

ClinVar aggregate classification (germline): Uncertain significance (1 of 4 stars; one submission).

Conditions:
Aicardi-Goutieres syndrome 5. Identifiers: Orphanet 51, MedGen C2749659, MONDO:0013059, OMIM 612952.

Submission:

Labcorp Genetics (formerly Invitae), Labcorp
Classification: Uncertain significance for Aicardi-Goutieres syndrome 5. Last evaluated: 2021-05-14. Review status: criteria provided, single submitter. Criteria: Invitae Variant Classification Sherloc (09022015). Collection method: clinical testing. Allele origin: germline.
Comment: In summary, the available evidence is currently insufficient to determine the role of this variant in disease. Therefore, it has been classified as a Variant of Uncertain Significance. Algorithms developed to predict the effect of missense changes on protein structure and function are either unavailable or do not agree on the potential impact of this missense change (SIFT: "Tolerated"; PolyPhen-2: "Possibly Damaging"; Align-GVGD: "Class C0"). This variant has not been reported in the literature in individuals with SAMHD1-related conditions. This variant is not present in population databases (ExAC no frequency). This sequence change replaces leucine with arginine at codon 65 of the SAMHD1 protein (p.Leu65Arg). The leucine residue is weakly conserved and there is a moderate physicochemical difference between leucine and arginine.